The following is an entry in ClinVar:

NM_014862.4(ARNT2):c.1228T>A (p.Trp410Arg)

Gene: ARNT2 (aryl hydrocarbon receptor nuclear translocator 2; plus strand). Cytogenetic location: 15q25.1.
Variant type: single nucleotide variant.
Coding change: c.1228T>A on transcript NM_014862.4 (MANE Select); coding-DNA position 1228, T replaced by A.
Protein change: p.Trp410Arg; replaces tryptophan 410 with arginine.
Molecular consequence: missense variant.
Genome position (GRCh38, 1-based): chr15:80,563,151, T>A. VCF-style: chr15-80563151-T-A. GRCh37 (hg19) VCF-style: chr15-80855492-T-A.
Other names: short protein forms W410R.
Identifiers: ClinVar variation 1509647 (VCV001509647.4), dbSNP rs150964641, ClinGen allele CA7691963.

ClinVar aggregate classification (germline): Uncertain significance (1 of 4 stars; one submission).

Allele frequency attached by ClinVar (database versions not stated): ESP Exome Variant Server 0.00023.
gnomAD v4.1: 233 of 1,613,610 alleles (0.014%); highest among the groups gnomAD compares: Non-Finnish European, 0.015%; no homozygotes.

Submission:

Labcorp Genetics (formerly Invitae), Labcorp
Classification: Uncertain significance. Last evaluated: 2023-11-27. Review status: criteria provided, single submitter. Criteria: Invitae Variant Classification Sherloc (09022015). Collection method: clinical testing. Allele origin: germline.
Comment: This sequence change replaces tryptophan, which is neutral and slightly polar, with arginine, which is basic and polar, at codon 410 of the ARNT2 protein (p.Trp410Arg). This variant is present in population databases (rs150964641, gnomAD 0.2%). This variant has not been reported in the literature in individuals affected with ARNT2-related conditions. ClinVar contains an entry for this variant (Variation ID: 1509647). An algorithm developed to predict the effect of missense changes on protein structure and function (PolyPhen-2) suggests that this variant is likely to be disruptive. Experimental studies have shown that this missense change does not substantially affect ARNT2 function (PMID: 24465693). In summary, the available evidence is currently insufficient to determine the role of this variant in disease. Therefore, it has been classified as a Variant of Uncertain Significance.

Literature cited by the submitters: PubMed 24465693.